The following is an entry in ClinVar:

NM_001128840.3(CACNA1D):c.370G>A (p.Glu124Lys)

Gene: CACNA1D (calcium voltage-gated channel subunit alpha1 D; plus strand). Cytogenetic location: 3p21.1.
Variant type: single nucleotide variant.
Coding change: c.370G>A on transcript NM_001128840.3 (MANE Select); coding-DNA position 370, G replaced by A.
Protein change: p.Glu124Lys; replaces glutamic acid 124 with lysine.
Molecular consequence: missense variant.
Genome position (GRCh38, 1-based): chr3:53,497,454, G>A. VCF-style: chr3-53497454-G-A. GRCh37 (hg19) VCF-style: chr3-53531481-G-A.
Other names: c.370G>A, p.Glu124Lys (NM_000720.4, NM_001128839.3); short protein forms E124K.
Identifiers: ClinVar variation 3611140 (VCV003611140.2).
Genomic context (GRCh38, chr3:53,497,454, plus strand): 5'-CGCGCCCTTTTCTGTTTATCACTCAATAACCCCATCCGAAGAGCCTGCATTAGTATAGTG[G>A]AATGGAAGTATCCTTTTTTTGGGGGAAGTCTTTCTCATTTTCTCTTTTACCATCTGTTTT-3'
Protein context (NP_001122312.1, residues 114-134): PIRRACISIV[Glu124Lys]WKPFDIFILL

ClinVar aggregate classification (germline): Uncertain significance (1 of 4 stars; one submission).

Submission:

Labcorp Genetics (formerly Invitae), Labcorp
Classification: Uncertain significance. Last evaluated: 2024-10-01. Review status: criteria provided, single submitter. Criteria: Invitae Variant Classification Sherloc (09022015). Collection method: clinical testing. Allele origin: germline.
Comment: This sequence change replaces glutamic acid, which is acidic and polar, with lysine, which is basic and polar, at codon 124 of the CACNA1D protein (p.Glu124Lys). This variant is not present in population databases (gnomAD no frequency). This variant has not been reported in the literature in individuals affected with CACNA1D-related conditions. Invitae Evidence Modeling of protein sequence and biophysical properties (such as structural, functional, and spatial information, amino acid conservation, physicochemical variation, residue mobility, and thermodynamic stability) indicates that this missense variant is expected to disrupt CACNA1D protein function with a positive predictive value of 80%. In summary, the available evidence is currently insufficient to determine the role of this variant in disease. Therefore, it has been classified as a Variant of Uncertain Significance.